The following is an entry in ClinVar:

NM_079420.3(MYL1):c.59C>T (p.Pro20Leu)

Gene: MYL1 (myosin light chain 1; minus strand). Cytogenetic location: 2q34.
Variant type: single nucleotide variant.
Coding change: c.59C>T on transcript NM_079420.3 (MANE Select); coding-DNA position 59, C replaced by T.
Protein change: p.Pro20Leu; replaces proline 20 with leucine.
Molecular consequence: missense variant.
Genome position (GRCh38, 1-based): chr2:210,314,984, G>A on the plus strand (C>T on the coding strand, the complement: MYL1 is on the minus strand). VCF-style: chr2-210314984-G-A. GRCh37 (hg19) VCF-style: chr2-211179708-G-A.
Other names: short protein forms P20L.
Identifiers: ClinVar variation 4981040 (VCV004981040.1).

ClinVar aggregate classification (germline): Uncertain significance (1 of 4 stars; one submission).

Conditions:
MYL1-related disorder. Also called: MYL1-related condition.

gnomAD v4.1: 8 of 1,610,218 alleles (0.0005%); highest among the groups gnomAD compares: East Asian, 0.0022%; no homozygotes.

Submission:

PreventionGenetics, part of Exact Sciences
Classification: Uncertain significance for MYL1-related condition. Last evaluated: 2026-04-09. Review status: criteria provided, single submitter. Criteria: ACMG Guidelines, 2015. Collection method: clinical testing. Allele origin: germline.
Comment: The MYL1 c.59C>T variant is predicted to result in the amino acid substitution p.Pro20Leu. To our knowledge, this variant has not been reported in the literature. This variant is reported in 0.028% of alleles in individuals of East Asian descent in gnomAD. At this time, the clinical significance of this variant is uncertain due to the absence of conclusive functional and genetic evidence.